The following is an entry in ClinVar:

ClinVar aggregate classification (germline): Uncertain significance (1 of 4 stars; one submission).

Conditions:
Spastic paraplegia. Identifiers: MedGen C0037772, HP:0001258.

Submission:

Labcorp Genetics (formerly Invitae), Labcorp
Classification: Uncertain significance for Spastic paraplegia. Last evaluated: 2024-03-26. Review status: criteria provided, single submitter. Criteria: Invitae Variant Classification Sherloc (09022015). Collection method: clinical testing. Allele origin: germline.
Comment: This sequence change replaces asparagine, which is neutral and polar, with serine, which is neutral and polar, at codon 477 of the KIF5A protein (p.Asn477Ser). This variant is not present in population databases (gnomAD no frequency). This variant has not been reported in the literature in individuals affected with KIF5A-related conditions. Advanced modeling of protein sequence and biophysical properties (such as structural, functional, and spatial information, amino acid conservation, physicochemical variation, residue mobility, and thermodynamic stability) performed at Invitae indicates that this missense variant is not expected to disrupt KIF5A protein function with a negative predictive value of 95%. In summary, the available evidence is currently insufficient to determine the role of this variant in disease. Therefore, it has been classified as a Variant of Uncertain Significance.

NM_004984.4(KIF5A):c.1430A>G (p.Asn477Ser)

Gene: KIF5A (kinesin family member 5A; plus strand). Cytogenetic location: 12q13.3.
Variant type: single nucleotide variant.
Coding change: c.1430A>G on transcript NM_004984.4 (MANE Select); coding-DNA position 1430, A replaced by G.
Protein change: p.Asn477Ser; replaces asparagine 477 with serine.
Molecular consequence: missense variant.
Genome position (GRCh38, 1-based): chr12:57,572,128, A>G. VCF-style: chr12-57572128-A-G. GRCh37 (hg19) VCF-style: chr12-57965911-A-G.
Other names: c.1163A>G, p.Asn388Ser (NM_001354705.2); short protein forms N388S, N477S.
Identifiers: ClinVar variation 3701567 (VCV003701567.2).